The following is an entry in ClinVar:

NM_000334.4(SCN4A):c.3917G>A (p.Gly1306Glu)

Genes: GH-LCR (growth hormone locus control region; plus strand), SCN4A (sodium voltage-gated channel alpha subunit 4; minus strand). Cytogenetic location: 17q23.3.
Variant type: single nucleotide variant.
Coding change: c.3917G>A on transcript NM_000334.4 (MANE Select); coding-DNA position 3917, G replaced by A.
Protein change: p.Gly1306Glu; replaces glycine 1306 with glutamic acid.
Molecular consequence: missense variant.
Genome position (GRCh38, 1-based): chr17:63,943,846, C>T on the plus strand (G>A on the coding strand, the complement: SCN4A is on the minus strand). VCF-style: chr17-63943846-C-T. GRCh37 (hg19) VCF-style: chr17-62021206-C-T.
Other names: c.[3917G>A] (NM_000334.4); short protein forms G1306E.
Identifiers: ClinVar variation 5920 (VCV000005920.62), dbSNP rs80338792, ClinGen allele CA117852.

ClinVar aggregate classification (germline): Pathogenic. Review status: criteria provided, multiple submitters, no conflicts (2 of 4 stars). 13 submissions from 13 submitters: Pathogenic (12). 1 of the submissions does not count toward it. Last evaluated 2026-06-18.

Conditions:
SCN4A-related channelopathy. Identifiers: MedGen CN375929, MONDO:0800468.
Myotonia permanens. Identifiers: Orphanet 99735, MedGen C5848361, MONDO:0020482.
SCN4A-related disorder. Also called: SCN4A-related disorders.
Congenital myasthenic syndrome 16. Identifiers: Orphanet 590, MedGen C3280112, MONDO:0013620, OMIM 614198.
Hyperkalemic periodic paralysis. Also called: Familial hyperkalemic periodic paralysis; Gamstorp disease. Identifiers: Orphanet 682, MedGen C0238357, MONDO:0008224, OMIM 170500, HP:0007215.
Hypokalemic periodic paralysis, type 2 (HOKPP2). Identifiers: Orphanet 681, MedGen C2750061, MONDO:0013234, OMIM 613345.
Potassium-aggravated myotonia. Also called: Myotonia congenita, atypical, acetazolamide-responsive; MYOTONIA CONGENITA, ACETAZOLAMIDE-RESPONSIVE; MYOTONIA CONGENITA, ATYPICAL; SODIUM CHANNEL MUSCLE DISEASE. Identifiers: Orphanet 612, Orphanet 99734, Orphanet 99735, Orphanet 99736, MedGen C2931826, MONDO:0018959, OMIM 608390.
Paramyotonia congenita of Von Eulenburg. Also called: Eulenburg disease; Myotonia congenita intermittens; Von Eulenburg paramyotonia congenita; Paramyotonia Congenita; PARALYSIS PERIODICA PARAMYOTONICA. Identifiers: Orphanet 684, MedGen C0221055, MONDO:0008195, OMIM 168300. Disease mechanism: loss of function.
Hypokalemic periodic paralysis, type 1. Also called: Hypokalemic Periodic Paralysis Type 1 (AD); HypoPP. Identifiers: Orphanet 681, MedGen C3714580, MONDO:0042979, OMIM 170400.

Submissions 1 to 9 of 13:

Victorian Clinical Genetics Services, Murdoch Childrens Research Institute
Classification: Pathogenic for SCN4A-related channelopathy. Last evaluated: 2026-06-18. Review status: criteria provided, single submitter. Criteria: ACMG Guidelines, 2015. Collection method: clinical testing. Allele origin: germline. Affected: yes.
Comment: This variant is classified as Pathogenic. Evidence in support of pathogenic classification: Variant is absent from gnomAD (v4); This variant has strong previous evidence of pathogenicity in unrelated individuals. This variant has also been classified as pathogenic by diagnostic laboratories in ClinVar. It is reported in the literature in at least 30 individuals from 24 families, the majority of which arose de novo (PMID: 32509969); Missense variant predicted to be damaging by in silico tool(s) or highly conserved with a major amino acid change; Additional information: Variant is predicted to result in a missense amino acid change from Gly to Glu; This variant is heterozygous; This gene is associated with both recessive and dominant disease. Phenotypes involving paralysis and myotonia are typically inherited in a dominant manner, whereas myasthenic syndrome and congenital myopathy display recessive inheritance (OMIM); Variant is located in the annotated sodium-channel gate (NCBI); Loss of function and gain of function are known mechanisms of disease in this gene and are associated with SCNA4-related disorders. Functional studies of missense variants have demonstrated both a loss and gain of protein function, even for the same phenotype (OMIM); Variants in this gene are known to have variable expressivity. Clinical phenotypes of autosomal recessive congenital myopathy range from severe lethal fetal hypokinesia to a classical form of congenital myopathy that improves with age (PMID: 26700687). In relation to autosomal dominant hyperkalaemic paralysis and myotonia, some individuals carrying pathogenic variants do not present with a typical clinical phenotype; however, they do have detectable signs of myotonia on EMG (PMID: 20301669).

Labcorp Genetics (formerly Invitae), Labcorp
Classification: Pathogenic for Hyperkalemic periodic paralysis. Last evaluated: 2025-12-30. Review status: criteria provided, single submitter. Criteria: Invitae Variant Classification Sherloc (09022015). Collection method: clinical testing. Allele origin: germline.
Comment: This sequence change replaces glycine, which is neutral and non-polar, with glutamic acid, which is acidic and polar, at codon 1306 of the SCN4A protein (p.Gly1306Glu). This variant is not present in population databases (gnomAD no frequency). This missense change has been observed in individual(s) with autosomal dominant SCN4A-related conditions (PMID: 8308722, 16832098, 20713951, 25088311, 25311598, 26944947). In at least one individual the variant was observed to be de novo. ClinVar contains an entry for this variant (Variation ID: 5920). Invitae Evidence Modeling of protein sequence and biophysical properties (such as structural, functional, and spatial information, amino acid conservation, physicochemical variation, residue mobility, and thermodynamic stability) has been performed for this missense variant. However, the output from this modeling did not meet the statistical confidence thresholds required to predict the impact of this variant on SCN4A protein function. Experimental studies have shown that this missense change affects SCN4A function (PMID: 7473241, 16392038). This variant disrupts the p.Gly1306 amino acid residue in SCN4A. Other variant(s) that disrupt this residue have been determined to be pathogenic (PMID: 7980103, 8308722, 26080010). This suggests that this residue is clinically significant, and that variants that disrupt this residue are likely to be disease-causing. For these reasons, this variant has been classified as Pathogenic.

3billion
Classification: Pathogenic for SCN4A-related disorder. Last evaluated: 2025-07-16. Review status: criteria provided, single submitter. Criteria: ACMG Guidelines, 2015. Collection method: clinical testing. Allele origin: germline. Affected: yes.
Comment: The variant is not observed in the gnomAD v4.1.0 dataset. Predicted Consequence/Location: Missense variant In silico tool predictions suggest damaging effect of the variant on gene or gene product [REVEL: 0.90 (>=0.6, sensitivity 0.68 and specificity 0.92); 3Cnet: 0.95 (> 0.75, sensitivity 0.96 and precision 0.92)]. The same nucleotide change resulting in the same amino acid change has been previously reported as pathogenic/likely pathogenic with strong evidence (ClinVar ID: VCV000005920 /PMID: 8308722 /3billion dataset). The variant has been observed in at least two similarly affected unrelated individuals (PMID: 20713951). Different missense changes at the same codon (p.Gly1306Ala, p.Gly1306Val) have been reported as pathogenic/likely pathogenic with strong evidence (ClinVar ID: VCV000005903, VCV000005908 /PMID: 1310898, 8308722 /3billion dataset). Therefore, this variant is classified as Pathogenic according to the recommendation of ACMG/AMP guideline.

Athena Diagnostics
Classification: Pathogenic. Last evaluated: 2024-05-17. Review status: criteria provided, single submitter. Criteria: Athena Diagnostics Criteria. Collection method: clinical testing. Allele origin: unknown.
Comment: This variant has not been reported in large, multi-ethnic general populations. (Genome Aggregation Database (gnomAD), Cambridge, MA (URL)) This variant has been identified in multiple unrelated individuals with clinical features associated with sodium channel myotonia, including individuals where the variant appears to occur de novo. Assessment of experimental evidence suggests this variant results in abnormal protein function. (PMID: 7473241, 16392038, 29774303) At least one other missense variant at this codon is considered to be pathogenic or likely pathogenic, suggesting this variant may also cause disease.

Clinical Genetics Laboratory, Skane University Hospital Lund
Classification: Pathogenic. Last evaluated: 2022-07-13. Review status: criteria provided, single submitter. Criteria: ACMG Guidelines, 2015. Collection method: clinical testing. Allele origin: germline. Affected: yes.

Fulgent Genetics
Classification: Pathogenic for Paramyotonia congenita of Von Eulenburg; Hypokalemic periodic paralysis, type 1; Hyperkalemic periodic paralysis; Potassium-aggravated myotonia; Hypokalemic periodic paralysis, type 2; Congenital myasthenic syndrome 16. Last evaluated: 2022-05-03. Review status: criteria provided, single submitter. Criteria: ACMG Guidelines, 2015. Collection method: clinical testing. Allele origin: unknown.

CeGaT Center for Human Genetics Tuebingen
Classification: Pathogenic. Last evaluated: 2022-03-01. Review status: criteria provided, single submitter. Criteria: CeGaT Center For Human Genetics Tuebingen Variant Classification Criteria Version 2. Collection method: clinical testing. Allele origin: germline. Affected: yes. Observed: 1 variant allele.
Comment: SCN4A: PS4, PM2, PM5, PS3:Moderate, PP3, PP4

GeneDx
Classification: Pathogenic. Last evaluated: 2021-12-13. Review status: criteria provided, single submitter. Criteria: GeneDx Variant Classification Process June 2021. Collection method: clinical testing. Allele origin: germline. Affected: yes.
Comment: Observed in multiple unrelated individuals with myotonia in the published literature (Furby et al. 2014; Lion-Francois et al., 2010; Singh et al., 2014); Published functional studies demonstrate a damaging effect as electrophysiological studies showed that G1306E reduced fast inactivation of the channel, as well as delayed channel opening and activation (Lerche et al., 1993; Mitrovic et al., 1995); Not observed at significant frequency in large population cohorts (gnomAD); In silico analysis supports that this missense variant has a deleterious effect on protein structure/function; In silico analysis, which includes splice predictors and evolutionary conservation, suggests this variant may impact gene splicing. In the absence of RNA/functional studies, the actual effect of this sequence change is unknown.; Different missense changes at this residue (G1306V) and (G1306A) have been reported in the Human Gene Mutation Database and in the published literature (HGMD; Lerche et al., 1993; Ricker et al., 1994; Lion-Francois et al., 2010; Lampe et al., 2004; McClatchey et al., 1992); This variant is associated with the following publications: (PMID: 20713951, 8308722, 7473241, 16392038, 18723887, 25311598, 25088311, 30611854, 32849172, 32593548, 33084218, 26080010, 16832098, 26834636, 7980103, 23958773, 22016737, 23052413, 20237798, 28199958, 18166706, 29899727, 11723275, 20590641, 26944947, 20076800, 32010054)

Blueprint Genetics
Classification: Pathogenic for SCN4A-related disorders. Last evaluated: 2021-07-28. Review status: criteria provided, single submitter. Criteria: ACMG Guidelines, 2015. Collection method: clinical testing. Allele origin: germline. Affected: yes. Observed: 3 variant alleles.